The following is an entry in ClinVar:

ClinVar aggregate classification (germline): Uncertain significance (1 of 4 stars; one submission).

Conditions:
Spastic paraplegia. Identifiers: MedGen C0037772, HP:0001258.
Combined oxidative phosphorylation defect type 7. Identifiers: Orphanet 254930, MedGen C3150801, MONDO:0013306, OMIM 613559.

Allele frequency attached by ClinVar (database versions not stated): gnomAD exomes below 0.00001 and 0.00001; gnomAD 0.00001.
gnomAD v4.1: 3 of 1,612,382 alleles (0.00019%); highest among the groups gnomAD compares: Admixed American, 0.0017%; no homozygotes.

Submission:

Labcorp Genetics (formerly Invitae), Labcorp
Classification: Uncertain significance for Combined oxidative phosphorylation defect type 7; Spastic paraplegia. Last evaluated: 2022-08-15. Review status: criteria provided, single submitter. Criteria: Invitae Variant Classification Sherloc (09022015). Collection method: clinical testing. Allele origin: germline.
Comment: This sequence change replaces arginine, which is basic and polar, with serine, which is neutral and polar, at codon 99 of the C12orf65 protein (p.Arg99Ser). This variant is present in population databases (no rsID available, gnomAD 0.0009%). This variant has not been reported in the literature in individuals affected with C12orf65-related conditions. Algorithms developed to predict the effect of missense changes on protein structure and function (SIFT, PolyPhen-2, Align-GVGD) all suggest that this variant is likely to be disruptive. In summary, the available evidence is currently insufficient to determine the role of this variant in disease. Therefore, it has been classified as a Variant of Uncertain Significance.

NM_152269.5(MTRFR):c.297A>T (p.Arg99Ser)

Gene: MTRFR (mitochondrial translation release factor in rescue; plus strand). Cytogenetic location: 12q24.31.
Variant type: single nucleotide variant.
Coding change: c.297A>T on transcript NM_152269.5 (MANE Select); coding-DNA position 297, A replaced by T.
Protein change: p.Arg99Ser; replaces arginine 99 with serine.
Molecular consequence: missense variant.
Genome position (GRCh38, 1-based): chr12:123,256,827, A>T. VCF-style: chr12-123256827-A-T. GRCh37 (hg19) VCF-style: chr12-123741374-A-T.
Other names: c.297A>T, p.Arg99Ser (NM_001143905.2, NM_001194995.1); short protein forms R99S.
Identifiers: ClinVar variation 998425 (VCV000998425.6), dbSNP rs1459276555, ClinGen allele CA387118938.